The following is an entry in ClinVar:

NM_000081.4(LYST):c.283+4T>C

Gene: LYST (lysosomal trafficking regulator; minus strand). Cytogenetic location: 1q42.3.
Variant type: single nucleotide variant.
Coding change: c.283+4T>C on transcript NM_000081.4 (MANE Select); 4 bases into the intron after coding-DNA position 283, T replaced by C.
Molecular consequence: intron variant.
Genome position (GRCh38, 1-based): chr1:235,812,967, A>G on the plus strand (T>C on the coding strand, the complement: LYST is on the minus strand). VCF-style: chr1-235812967-A-G. GRCh37 (hg19) VCF-style: chr1-235976267-A-G.
Other names: c.283+4T>C (NM_001301365.1).
Identifiers: ClinVar variation 1942005 (VCV001942005.4), dbSNP rs756097379, ClinGen allele CA1467675.

ClinVar aggregate classification (germline): Conflicting classifications of pathogenicity. Review status: criteria provided, conflicting classifications (1 of 4 stars). 2 submissions from 2 submitters: Uncertain significance (1); Likely benign (1). Last evaluated 2025-07-16.

Conditions:
Chédiak-Higashi syndrome (CHS). Also called: Chediak-Higashi Syndrome. Identifiers: Orphanet 167, MedGen C0007965, MONDO:0008963, OMIM 214500.

Allele frequency attached by ClinVar (database versions not stated): gnomAD exomes below 0.00001; ExAC 0.00001.
gnomAD v4.1: 3 of 1,591,320 alleles (0.00019%); highest among the groups gnomAD compares: East Asian, 0.0045%; no homozygotes.

Submissions (2):

Labcorp Genetics (formerly Invitae), Labcorp
Classification: Uncertain significance for Chédiak-Higashi syndrome. Last evaluated: 2025-07-16. Review status: criteria provided, single submitter. Criteria: Invitae Variant Classification Sherloc (09022015). Collection method: clinical testing. Allele origin: germline.
Comment: This sequence change falls in intron 4 of the LYST gene. It does not directly change the encoded amino acid sequence of the LYST protein. It affects a nucleotide within the consensus splice site. This variant is present in population databases (rs756097379, gnomAD 0.006%). This variant has not been reported in the literature in individuals affected with LYST-related conditions. ClinVar contains an entry for this variant (Variation ID: 1942005). Variants that disrupt the consensus splice site are a relatively common cause of aberrant splicing (PMID: 17576681, 9536098). Algorithms developed to predict the effect of sequence changes on RNA splicing suggest that this variant is not likely to affect RNA splicing. In summary, the available evidence is currently insufficient to determine the role of this variant in disease. Therefore, it has been classified as a Variant of Uncertain Significance.

Blueprint Genetics
Classification: Likely benign. Last evaluated: 2022-04-14. Review status: criteria provided, single submitter. Criteria: ACMG Guidelines, 2015. Collection method: clinical testing. Allele origin: germline.

Literature cited by the submitters: PubMed 17576681 (cited by Labcorp Genetics (formerly Invitae), Labcorp); PubMed 9536098 (cited by Labcorp Genetics (formerly Invitae), Labcorp).